The following is an entry in ClinVar:

ClinVar aggregate classification (germline): Likely pathogenic. Review status: criteria provided, multiple submitters, no conflicts (2 of 4 stars). 2 submissions from 2 submitters: Likely pathogenic (2). Last evaluated 2023-12-13.

Conditions:
Fanconi anemia complementation group I (FANCI). Also called: FANCI-Related Fanconi Anemia. Identifiers: Orphanet 84, MedGen C1836861, MONDO:0012186, OMIM 609053.

Submissions (2):

Baylor Genetics
Classification: Likely pathogenic for Fanconi anemia complementation group I. Last evaluated: 2023-12-13. Review status: criteria provided, single submitter. Criteria: ACMG Guidelines, 2015. Collection method: clinical testing. Allele origin: unknown.

Juno Genomics, Hangzhou Juno Genomics, Inc
Classification: Likely pathogenic for Fanconi anemia complementation group I. Review status: criteria provided, single submitter. Criteria: ACMG Guidelines, 2015. Collection method: clinical testing. Allele origin: germline.
Comment: Null variant in a gene where loss of function (LOF) is a known mechanism of disease.;Absent from controls (or at extremely low frequency if recessive) in Genome Aggregation Database.

NM_001113378.2(FANCI):c.3829C>T (p.Gln1277Ter)

Gene: FANCI (FA complementation group I; plus strand). Cytogenetic location: 15q26.1.
Variant type: single nucleotide variant.
Coding change: c.3829C>T on transcript NM_001113378.2 (MANE Select); coding-DNA position 3829, C replaced by T.
Protein change: p.Gln1277Ter; replaces glutamine 1277 with a stop codon.
Molecular consequence: nonsense.
Genome position (GRCh38, 1-based): chr15:89,315,294, C>T. VCF-style: chr15-89315294-C-T. GRCh37 (hg19) VCF-style: chr15-89858525-C-T.
Other names: c.3550C>T, p.Gln1184Ter (NM_001376910.1); c.3829C>T, p.Gln1277Ter (NM_001376911.1); c.3649C>T, p.Gln1217Ter (NM_018193.3); short protein forms Q1184*, Q1217*, Q1277*.
Identifiers: ClinVar variation 3241610 (VCV003241610.3), dbSNP rs2509077600.